The following is an entry in ClinVar:

ClinVar aggregate classification (germline): Uncertain significance (1 of 4 stars; one submission).

Allele frequency attached by ClinVar (database versions not stated): ExAC 0.00002; gnomAD 0.00001; TOPMed 0.00001.
gnomAD v4.1: 5 of 1,613,960 alleles (0.00031%); highest among the groups gnomAD compares: African/African-American, 0.0013%; no homozygotes.

Submission:

Labcorp Genetics (formerly Invitae), Labcorp
Classification: Uncertain significance. Last evaluated: 2023-08-10. Review status: criteria provided, single submitter. Criteria: Invitae Variant Classification Sherloc (09022015). Collection method: clinical testing. Allele origin: germline.
Comment: This sequence change replaces serine, which is neutral and polar, with threonine, which is neutral and polar, at codon 415 of the ANXA11 protein (p.Ser415Thr). This variant is present in population databases (rs759947992, gnomAD 0.007%). This variant has not been reported in the literature in individuals affected with ANXA11-related conditions. An algorithm developed to predict the effect of missense changes on protein structure and function (PolyPhen-2) suggests that this variant is likely to be disruptive. In summary, the available evidence is currently insufficient to determine the role of this variant in disease. Therefore, it has been classified as a Variant of Uncertain Significance.

NM_145868.2(ANXA11):c.1243T>A (p.Ser415Thr)

Genes: ANXA11 (annexin A11; minus strand), LOC126860977 (CDK7 strongly-dependent group 2 enhancer GRCh37_chr10:81917938-81919137; plus strand). Cytogenetic location: 10q22.3.
Variant type: single nucleotide variant.
Coding change: c.1243T>A on transcript NM_145868.2 (MANE Select); coding-DNA position 1243, T replaced by A.
Protein change: p.Ser415Thr; replaces serine 415 with threonine.
Molecular consequence: missense variant.
Genome position (GRCh38, 1-based): chr10:80,159,133, A>T on the plus strand (T>A on the coding strand, the complement: ANXA11 is on the minus strand). VCF-style: chr10-80159133-A-T. GRCh37 (hg19) VCF-style: chr10-81918889-A-T.
Other names: c.1243T>A, p.Ser415Thr (NM_001157.3, NM_001278407.2, NM_001278408.2 and 1 more transcripts); c.1144T>A, p.Ser382Thr (NM_001278409.2); short protein forms S415T, S382T.
Identifiers: ClinVar variation 3013011 (VCV003013011.3), dbSNP rs759947992, ClinGen allele CA5575857.